The following is an entry in ClinVar:

ClinVar aggregate classification (germline): Uncertain significance (1 of 4 stars; one submission).

Conditions:
Primary ciliary dyskinesia. Also called: Ciliary dyskinesia. Identifiers: Orphanet 244, MedGen C0008780, MONDO:0016575, HP:0012265.

Allele frequency attached by ClinVar (database versions not stated): gnomAD exomes below 0.00001; TOPMed below 0.00001.
gnomAD v4.1: 4 of 1,614,234 alleles (0.00025%); highest among the groups gnomAD compares: South Asian, 0.0044%; no homozygotes.

Submission:

Ambry Genetics
Classification: Uncertain significance for Primary ciliary dyskinesia. Last evaluated: 2023-12-25. Review status: criteria provided, single submitter. Criteria: Ambry Variant Classification Scheme 2023. Collection method: clinical testing. Allele origin: germline.
Comment: The p.I2316T variant (also known as c.6947T>C), located in coding exon 42 of the DNAH5 gene, results from a T to C substitution at nucleotide position 6947. The isoleucine at codon 2316 is replaced by threonine, an amino acid with similar properties. This amino acid position is conserved. In addition, this alteration is predicted to be deleterious by in silico analysis. Since supporting evidence is limited at this time, the clinical significance of this alteration remains unclear.

NM_001369.3(DNAH5):c.6947T>C (p.Ile2316Thr)

Gene: DNAH5 (dynein axonemal heavy chain 5; minus strand). Cytogenetic location: 5p15.2.
Variant type: single nucleotide variant.
Coding change: c.6947T>C on transcript NM_001369.3 (MANE Select); coding-DNA position 6947, T replaced by C.
Protein change: p.Ile2316Thr; replaces isoleucine 2316 with threonine.
Molecular consequence: missense variant.
Genome position (GRCh38, 1-based): chr5:13,817,589, A>G on the plus strand (T>C on the coding strand, the complement: DNAH5 is on the minus strand). VCF-style: chr5-13817589-A-G. GRCh37 (hg19) VCF-style: chr5-13817698-A-G.
Other names: short protein forms I2316T.
Identifiers: ClinVar variation 3221510 (VCV003221510.1), dbSNP rs1761611403, ClinGen allele CA359192677.